The following is an entry in ClinVar:

ClinVar aggregate classification (germline): Uncertain significance (1 of 4 stars; one submission).

Conditions:
EGFR-related lung cancer (EGFR). Identifiers: MedGen CN130014.

Submission:

Labcorp Genetics (formerly Invitae), Labcorp
Classification: Uncertain significance for EGFR-related lung cancer. Last evaluated: 2024-07-30. Review status: criteria provided, single submitter. Criteria: Invitae Variant Classification Sherloc (09022015). Collection method: clinical testing. Allele origin: germline.
Comment: This sequence change falls in intron 25 of the EGFR gene. It does not directly change the encoded amino acid sequence of the EGFR protein. This variant is not present in population databases (gnomAD no frequency). This variant has not been reported in the literature in individuals affected with EGFR-related conditions. Algorithms developed to predict the effect of sequence changes on RNA splicing suggest that this variant may disrupt the consensus splice site. In summary, the available evidence is currently insufficient to determine the role of this variant in disease. Therefore, it has been classified as a Variant of Uncertain Significance.

NM_005228.5(EGFR):c.3115-6T>C

Gene: EGFR (epidermal growth factor receptor; plus strand). Cytogenetic location: 7p11.2.
Variant type: single nucleotide variant.
Coding change: c.3115-6T>C on transcript NM_005228.5 (MANE Select); 6 bases into the intron before coding-DNA position 3115, T replaced by C.
Molecular consequence: intron variant.
Genome position (GRCh38, 1-based): chr7:55,201,729, T>C. VCF-style: chr7-55201729-T-C. GRCh37 (hg19) VCF-style: chr7-55269422-T-C.
Other names: c.2980-6T>C (NM_001346899.2, NM_001346897.2); c.2314-6T>C (NM_001346941.2); c.3115-6T>C (NM_001346898.2); c.2956-6T>C (NM_001346900.2).
Identifiers: ClinVar variation 3660848 (VCV003660848.2).
Genomic context (GRCh38, chr7:55,201,729, plus strand): 5'-ATTCAGGAAAAGTGGATGAGATGTGGTACAAGCATTCCATGGGCAACTTCTCTGTTTCTT[T>C]TTCAGAGTGCAACCAGCAACAATTCCACCGTGGCTTGCATTGATAGAAATGGGGTATGTA-3'